The following is an entry in ClinVar:

ClinVar aggregate classification (germline): Benign/Likely benign. Review status: criteria provided, multiple submitters, no conflicts (2 of 4 stars). 3 submissions from 3 submitters: Benign (2); Likely benign (1). Last evaluated 2026-01-22.

gnomAD v4.1: 76,409 of 1,613,642 alleles (4.7%); highest among the groups gnomAD compares: Middle Eastern, 8.5%; 2,059 homozygotes.

Submissions (3):

Women's Health and Genetics/Laboratory Corporation of America, LabCorp
Classification: Benign. Last evaluated: 2026-01-22. Review status: criteria provided, single submitter. Criteria: LabCorp Variant Classification Summary - May 2015. Collection method: clinical testing. Allele origin: germline.
Comment: Variant summary: NLRP1 c.*6C>G is located in the untranslated mRNA region downstream of the termination codon. The variant allele was found at a frequency of 0.043 in 249324 control chromosomes, predominantly at a frequency of 0.054 within the Non-Finnish European subpopulation in the gnomAD database, including 171 homozygotes. The observed variant frequency within Non-Finnish European control individuals in the gnomAD database exceeds the estimated maximal expected allele frequency for disease-causing variants in NLRP1. To our knowledge, no occurrence of c.*6C>G in individuals affected with NLRP1-related conditions and no experimental evidence demonstrating its impact on protein function have been reported. ClinVar contains an entry for this variant (Variation ID: 4684184). Based on the evidence outlined above, the variant was classified as benign.

Blueprint Genetics
Classification: Likely benign. Last evaluated: 2024-11-26. Review status: criteria provided, single submitter. Criteria: ACMG Guidelines, 2015. Collection method: clinical testing. Allele origin: germline.

Mayo Clinic Laboratories, Mayo Clinic
Classification: Benign. Last evaluated: 2022-09-06. Review status: criteria provided, single submitter. Criteria: ACMG Guidelines, 2015. Collection method: clinical testing. Allele origin: germline. Observed: 38 variant alleles.

NM_033004.4(NLRP1):c.*6C>G

Gene: NLRP1 (NLR family pyrin domain containing 1; minus strand). Cytogenetic location: 17p13.2.
Variant type: single nucleotide variant.
Coding change: c.*6C>G on transcript NM_033004.4 (MANE Select); 6 bases downstream of the stop codon, C replaced by G.
Molecular consequence: 3 prime UTR variant. On other transcripts: intron variant (1).
Genome position (GRCh38, 1-based): chr17:5,514,748, G>C on the plus strand (C>G on the coding strand, the complement: NLRP1 is on the minus strand). VCF-style: chr17-5514748-G-C. GRCh37 (hg19) VCF-style: chr17-5418068-G-C.
Other names: c.*6C>G (NM_014922.5, NM_033006.4, NM_033007.4); c.4069+2998C>G (NM_001033053.3).
Identifiers: ClinVar variation 4684184 (VCV004684184.3).
Genomic context (GRCh38, chr17:5,514,748, plus strand): 5'-AAACTGAGACCCAAAGAAGGGTCAGCCAAAGCCAGGACTCAAGGGTCAAGGGCTGGTGTT[G>C]ATACTTCAGCTGCTGAGTGGCAGGAGTCCCTTTTTGCTGCCCTTCTCCCAGAGTTCCATA-3'